The following is an entry in ClinVar:

NM_001370466.1(NOD2):c.2245C>T (p.Pro749Ser)

Gene: NOD2 (nucleotide binding oligomerization domain containing 2; plus strand). Cytogenetic location: 16q12.1.
Variant type: single nucleotide variant.
Coding change: c.2245C>T on transcript NM_001370466.1 (MANE Select); coding-DNA position 2245, C replaced by T.
Protein change: p.Pro749Ser; replaces proline 749 with serine.
Molecular consequence: missense variant. On other transcripts: non-coding transcript variant (1).
Genome position (GRCh38, 1-based): chr16:50,712,237, C>T. VCF-style: chr16-50712237-C-T. GRCh37 (hg19) VCF-style: chr16-50746148-C-T.
Other names: c.2245C>T, p.Pro749Ser (NM_001293557.2); c.2326C>T, p.Pro776Ser (NM_022162.3); c.2326C>T (NM_022162.1); short protein forms P776S, P749S.
Identifiers: ClinVar variation 1407895 (VCV001407895.47), dbSNP rs1264795843, ClinGen allele CA395871842.
Genomic context (GRCh38, chr16:50,712,237, plus strand): 5'-CGGAAGGCTGCACGTGGCCTGAATGTTGGGCACCTCAAGTTGACATTTTGCAGTGTGGGC[C>T]CCACTGAGTGTGCTGCCCTGGCCTTTGTGCTGCAGCACCTCCGGCGGCCCGTGGCCCTGC-3'
Protein context (NP_001357395.1, residues 739-759): HLKLTFCSVG[Pro749Ser]TECAALAFVL

ClinVar aggregate classification (germline): Uncertain significance. Review status: criteria provided, multiple submitters, no conflicts (2 of 4 stars). 2 submissions from 2 submitters: Uncertain significance (2). Last evaluated 2025-09-04.

Conditions:
Regional enteritis. Also called: Enteritis, Granulomatous. Identifiers: MedGen C0678202, MeSH D003424.
Blau syndrome (BLAUS). Also called: ARTHROCUTANEOUVEAL GRANULOMATOSIS; GRANULOMATOSIS, FAMILIAL JUVENILE SYSTEMIC; GRANULOMATOSIS, FAMILIAL, BLAU TYPE; GRANULOMATOUS INFLAMMATORY ARTHRITIS, DERMATITIS, AND UVEITIS, FAMILIAL; JABS SYNDROME. Identifiers: Orphanet 90340, MedGen C5201146, MONDO:0008523, OMIM 186580.
Inborn genetic diseases. Identifiers: MedGen C0950123, MeSH D030342.

gnomAD v4.1: 4 of 1,613,924 alleles (0.00025%); highest among the groups gnomAD compares: Non-Finnish European, 0.00034%; no homozygotes.

Submissions (2):

Ambry Genetics
Classification: Uncertain significance for Inborn genetic diseases. Last evaluated: 2025-09-04. Review status: criteria provided, single submitter. Criteria: Ambry Variant Classification Scheme 2023. Collection method: clinical testing. Allele origin: germline.

Labcorp Genetics (formerly Invitae), Labcorp
Classification: Uncertain significance for Regional enteritis; Blau syndrome. Last evaluated: 2025-01-18. Review status: criteria provided, single submitter. Criteria: Invitae Variant Classification Sherloc (09022015). Collection method: clinical testing. Allele origin: germline.
Comment: This sequence change replaces proline, which is neutral and non-polar, with serine, which is neutral and polar, at codon 776 of the NOD2 protein (p.Pro776Ser). The frequency data for this variant in the population databases is considered unreliable, as metrics indicate poor data quality at this position in the gnomAD database. This variant has not been reported in the literature in individuals affected with NOD2-related conditions. ClinVar contains an entry for this variant (Variation ID: 1407895). Invitae Evidence Modeling of protein sequence and biophysical properties (such as structural, functional, and spatial information, amino acid conservation, physicochemical variation, residue mobility, and thermodynamic stability) has been performed for this missense variant. However, the output from this modeling did not meet the statistical confidence thresholds required to predict the impact of this variant on NOD2 protein function. In summary, the available evidence is currently insufficient to determine the role of this variant in disease. Therefore, it has been classified as a Variant of Uncertain Significance.